The following is an entry in ClinVar:

NM_138713.4(NFAT5):c.2779G>A (p.Ala927Thr)

Gene: NFAT5 (nuclear factor of activated T cells 5; plus strand). Cytogenetic location: 16q22.1.
Variant type: single nucleotide variant.
Coding change: c.2779G>A on transcript NM_138713.4 (MANE Select); coding-DNA position 2779, G replaced by A.
Protein change: p.Ala927Thr; replaces alanine 927 with threonine.
Molecular consequence: missense variant.
Genome position (GRCh38, 1-based): chr16:69,692,604, G>A. VCF-style: chr16-69692604-G-A. GRCh37 (hg19) VCF-style: chr16-69726507-G-A.
Other names: c.2776G>A, p.Ala926Thr (NM_001113178.3); c.2104G>A, p.Ala702Thr (NM_001367709.1); c.2725G>A, p.Ala909Thr (NM_006599.4); c.2497G>A, p.Ala833Thr (NM_138714.4, NM_173214.3, NM_173215.3); short protein forms A702T, A833T, A927T, A926T, A909T.
Identifiers: ClinVar variation 2854028 (VCV002854028.3), dbSNP rs952352835, ClinGen allele CA396510811.

ClinVar aggregate classification (germline): Uncertain significance (1 of 4 stars; one submission).

Conditions:
Immunodeficiency. Identifiers: MedGen C0021051, MONDO:0021094, HP:0002721.

Submission:

Labcorp Genetics (formerly Invitae), Labcorp
Classification: Uncertain significance for Immunodeficiency. Last evaluated: 2023-04-09. Review status: criteria provided, single submitter. Criteria: Invitae Variant Classification Sherloc (09022015). Collection method: clinical testing. Allele origin: germline.
Comment: An algorithm developed to predict the effect of missense changes on protein structure and function (PolyPhen-2) suggests that this variant is likely to be tolerated. This variant has not been reported in the literature in individuals affected with NFAT5-related conditions. This variant is not present in population databases (gnomAD no frequency). This sequence change replaces alanine, which is neutral and non-polar, with threonine, which is neutral and polar, at codon 833 of the NFAT5 protein (p.Ala833Thr). In summary, the available evidence is currently insufficient to determine the role of this variant in disease. Therefore, it has been classified as a Variant of Uncertain Significance.